The following is an entry in ClinVar:

ClinVar aggregate classification (germline): Conflicting classifications of pathogenicity. Review status: criteria provided, conflicting classifications (1 of 4 stars). 5 submissions from 5 submitters: Pathogenic (1); Likely pathogenic (3); Uncertain significance (1). Last evaluated 2026-06-09.

Conditions:
Cardiovascular phenotype. Identifiers: MedGen CN230736.
MYH7-related disorder. Also called: MYH7-related disorders; MYH7-related condition; MYH7-related disease.
Myopathy, myosin storage, autosomal recessive (CMYO7B). Also called: CONGENITAL MYOPATHY 7B, MYOSIN STORAGE, AUTOSOMAL RECESSIVE. Identifiers: Orphanet 636970, MedGen C1850709, MONDO:0009708, OMIM 255160.
Hypertrophic cardiomyopathy. Also called: HYPERTROPHIC MYOCARDIOPATHY. Identifiers: Orphanet 217569, MedGen C0007194, MeSH D002312, MONDO:0005045, HP:0001639.

Submissions (5):

Victorian Clinical Genetics Services, Murdoch Childrens Research Institute
Classification: Likely pathogenic for Myopathy, myosin storage, autosomal recessive. Last evaluated: 2026-06-09. Review status: criteria provided, single submitter. Criteria: ACMG Guidelines, 2015. Collection method: clinical testing. Allele origin: germline. Affected: yes.
Comment: This variant is classified as Likely pathogenic. Evidence in support of pathogenic classification: Variant is absent from gnomAD (v2, v3 and v4); This variant has strong functional evidence supporting abnormal protein function. Myosin ATP binding assays performed on human cardiac ventricular tissues from a HCM patient heterozygous for this variant demonstrated altered interacting-heads motif residues. Additionally, reduced proportions of myosin and myosin heads in the super-relaxed head conformation, and increased proportions of myosin and myosin heads in the disordered-relaxed state conformation compared to WT healthy tissues were observed (PMID: 31983222); Variant is located in a hotspot region or cluster of pathogenic variants. This variant is found within the head region, which is enriched with pathogenic missense variants (PMID: 29300372). Additional information: Variant is predicted to result in a missense amino acid change from Ala to Val; This variant is homozygous; This gene is associated with both recessive and dominant disease. Disease associated with this gene usually has autosomal dominant inheritance; however, a recessive inheritance pattern has been observed in severe cases (OMIM); Previous reports of pathogenicity for this variant are conflicting. This variant has been reported in individuals with hypertrophic cardiomyopathy (HCM) and classified as VUS, likely pathogenic or pathogenic by clinical diagnostic laboratories and in the literature (ClinVar, PMIDs: 27247418, 31568572, 33495597); No published evidence of segregation with disease has been identified for this variant; Other missense variant comparable to the one identified in this case have conflicting previous evidence for pathogenicity. p.(Ala226Pro) has been classified as a VUS by a clinical laboratory in ClinVar. p.(Ala226Thr) has also been classified as VUS, likely pathogenic and pathogenic by clinical laboratories in ClinVar. Additionally, based on in silico prediction tools, this variant has also been reported as likely pathogenic and VUS in an Italian study of hypertrophic cardiomyopathy (PMIDs: 27600940, 27483260); Missense variant with inconclusive in silico prediction and/or uninformative conservation; The mechanism of disease for this gene is not clearly established, however, missense variants have been proposed to act in a dominant negative manner (PMID: 24714796); The condition associated with this gene has incomplete penetrance (PMID: 29300372); Inheritance information for this variant is not currently available in this individual.

Labcorp Genetics (formerly Invitae), Labcorp
Classification: Pathogenic for Hypertrophic cardiomyopathy. Last evaluated: 2025-05-14. Review status: criteria provided, single submitter. Criteria: Invitae Variant Classification Sherloc (09022015). Collection method: clinical testing. Allele origin: germline.
Comment: This sequence change replaces alanine, which is neutral and non-polar, with valine, which is neutral and non-polar, at codon 226 of the MYH7 protein (p.Ala226Val). This variant is not present in population databases (gnomAD no frequency). This missense change has been observed in individuals with hypertrophic cardiomyopathy (PMID: 27247418, 27532257; internal data). ClinVar contains an entry for this variant (Variation ID: 228918). Invitae Evidence Modeling of protein sequence and biophysical properties (such as structural, functional, and spatial information, amino acid conservation, physicochemical variation, residue mobility, and thermodynamic stability) indicates that this missense variant is expected to disrupt MYH7 protein function with a positive predictive value of 95%. This variant is found within a region of MYH7 between codons 181 and 937 that contains the majority of the myosin head domain. Missense variants in this region have been shown to be significantly overrepresented in individuals with hypertrophic cardiomyopathy (PMID: 27532257). For these reasons, this variant has been classified as Pathogenic.

Ambry Genetics
Classification: Likely pathogenic for Cardiovascular phenotype. Last evaluated: 2024-03-15. Review status: criteria provided, single submitter. Criteria: Ambry Variant Classification Scheme 2023. Collection method: clinical testing. Allele origin: germline.
Comment: The p.A226V variant (also known as c.677C>T), located in coding exon 6 of the MYH7 gene, results from a C to T substitution at nucleotide position 677. The alanine at codon 226 is replaced by valine, an amino acid with similar properties. This alteration has been detected in several individuals reported to have hypertrophic cardiomyopathy (HCM) (Walsh R et al. Genet. Med., 2017 02;19:192-203; Ho CY et al. Circulation, 2018 Oct;138:1387-1398; Ambry internal data; external communication). This alteration is located in the myosin head domain, which contains a statistically significant clustering of pathogenic missense variants (Homburger JR et al. Proc Natl Acad Sci U S A, 2016 06;113:6701-6; Walsh R et al. Genet Med, 2017 02;19:192-203; Ambry internal data). Another alteration at the same codon, p.A226T (c.676G>A), has been described in association with HCM (Bottillo I et al. Gene. 2016;577:227-35). This variant is also considered to be rare based on population cohorts in the Genome Aggregation Database (gnomAD). This amino acid position is well conserved in available vertebrate species. In addition, the in silico prediction for this alteration is inconclusive. Based on the majority of available evidence to date, this variant is likely to be pathogenic.

Blueprint Genetics
Classification: Likely pathogenic for MYH7-related disorders. Last evaluated: 2023-04-19. Review status: criteria provided, single submitter. Criteria: ACMG Guidelines, 2015. Collection method: clinical testing. Allele origin: germline. Affected: yes. Observed: 3 variant alleles.

Laboratory for Molecular Medicine, Mass General Brigham Personalized Medicine
Classification: Uncertain significance. Last evaluated: 2015-08-21. Review status: criteria provided, single submitter. Criteria: LMM Criteria. Collection method: clinical testing. Allele origin: germline. Observed: 1 variant allele.
Comment: The p.Ala226Val variant in MYH7 has not been previously reported in individuals with cardiomyopathy or in large population studies. Computational prediction too ls and conservation analysis do not provide strong support for or against an imp act to the protein. In summary, the clinical significance of the p.Ala226Val var iant is uncertain.

Literature cited by the submitters: PubMed 27247418 (cited by 3 submitters); PubMed 24714796 (cited by Victorian Clinical Genetics Services, Murdoch Childrens Research Institute); PubMed 27483260 (cited by Victorian Clinical Genetics Services, Murdoch Childrens Research Institute); PubMed 29300372 (cited by Victorian Clinical Genetics Services, Murdoch Childrens Research Institute); PubMed 27600940 (cited by Victorian Clinical Genetics Services, Murdoch Childrens Research Institute); PubMed 31983222 (cited by Victorian Clinical Genetics Services, Murdoch Childrens Research Institute); PubMed 31568572 (cited by Victorian Clinical Genetics Services, Murdoch Childrens Research Institute and Ambry Genetics); PubMed 33495597 (cited by Victorian Clinical Genetics Services, Murdoch Childrens Research Institute); PubMed 27532257 (cited by Labcorp Genetics (formerly Invitae), Labcorp and Ambry Genetics); PubMed 30297972 (cited by Ambry Genetics).

NM_000257.4(MYH7):c.677C>T (p.Ala226Val)

Gene: MYH7 (myosin heavy chain 7; minus strand). Cytogenetic location: 14q11.2.
Variant type: single nucleotide variant.
Coding change: c.677C>T on transcript NM_000257.4 (MANE Select); coding-DNA position 677, C replaced by T.
Protein change: p.Ala226Val; replaces alanine 226 with valine.
Molecular consequence: missense variant.
Genome position (GRCh38, 1-based): chr14:23,431,640, G>A on the plus strand (C>T on the coding strand, the complement: MYH7 is on the minus strand). VCF-style: chr14-23431640-G-A. GRCh37 (hg19) VCF-style: chr14-23900849-G-A.
Other names: short protein forms A226V.
Identifiers: ClinVar variation 228918 (VCV000228918.17), dbSNP rs876657887, ClinGen allele CA10576963.
Genomic context (GRCh38, chr14:23,431,640, plus strand): 5'-CTCACGAAGCGGGAGGAGTTGTCGTTCCGGACGGTCTTGGCATTGCCAAAGGCCTCCAGA[G>A]CAGGGTTGGCCTGGATGATCTGGTCCTCCAGGGTGCCCTGCAGAGGCCAAGAAGGAGGCA-3'
Protein context (NP_000248.2, residues 216-236): LEDQIIQANP[Ala226Val]LEAFGNAKTV